The following is an entry in ClinVar:

ClinVar aggregate classification (germline): Pathogenic (1 of 4 stars; one submission).

Conditions:
Intellectual developmental disorder, X-linked, syndromic, Snyder-Robinson type. Also called: X-linked mental retardation Snyder - Robinson type; SNYDER-ROBINSON MENTAL RETARDATION SYNDROME; Spermine synthase deficiency; Syndromic X-linked intellectual disability Snyder type. Identifiers: Orphanet 3063, MedGen C0796160, MONDO:0010664, OMIM 309583.

Submission:

Mendelics
Classification: Pathogenic for Intellectual developmental disorder, X-linked, syndromic, Snyder-Robinson type. Last evaluated: 2026-03-05. Review status: criteria provided, single submitter. Criteria: ACMG Guidelines, 2015. Collection method: clinical testing. Allele origin: unknown.
Comment: Likely pathogenic/Pathogenic according to ACMG criteria.

NM_004595.5(SMS):c.954T>G (p.Cys318Trp)

Gene: SMS (spermine synthase; plus strand). Cytogenetic location: Xp22.11.
Variant type: single nucleotide variant.
Coding change: c.954T>G on transcript NM_004595.5 (MANE Select); coding-DNA position 954, T replaced by G.
Protein change: p.Cys318Trp; replaces cysteine 318 with tryptophan.
Molecular consequence: missense variant.
Genome position (GRCh38, 1-based): chrX:21,992,605, T>G. VCF-style: chrX-21992605-T-G. GRCh37 (hg19) VCF-style: chrX-22010723-T-G.
Other names: c.795T>G, p.Cys265Trp (NM_001258423.2); short protein forms C265W, C318W.
Identifiers: ClinVar variation 4813567 (VCV004813567.1).